The following is an entry in ClinVar:

ClinVar aggregate classification (germline): Uncertain significance (1 of 4 stars; one submission).

Conditions:
Arrhythmogenic cardiomyopathy with wooly hair and keratoderma. Also called: Carvajal syndrome; PALMOPLANTAR KERATODERMA WITH LEFT VENTRICULAR CARDIOMYOPATHY AND WOOLLY HAIR; Dilated cardiomyopathy with woolly hair and keratoderma; Arrhythmogenic cardiomyopathy with woolly hair and keratoderma. Identifiers: Orphanet 65282, MedGen C1854063, MONDO:0011581, OMIM 605676.

gnomAD v4.1: 3 of 1,614,194 alleles (0.00019%); highest among the groups gnomAD compares: Non-Finnish European, 0.00025%; no homozygotes.

Submission:

All of Us Research Program, National Institutes of Health
Classification: Uncertain significance for Arrhythmogenic cardiomyopathy with wooly hair and keratoderma. Last evaluated: 2023-03-07. Review status: criteria provided, single submitter. Criteria: ACMG Guidelines, 2015. Collection method: clinical testing. Allele origin: germline. Inheritance: Autosomal dominant inheritance. Observed: 1 variant allele, 1 heterozygote.
Comment: This missense variant replaces glutamine with proline at codon 2185 of the DSP protein. Computational prediction is inconclusive regarding the impact of this variant on protein structure and function (internally defined REVEL score threshold 0.5 < inconclusive < 0.7, PMID: 27666373). To our knowledge, functional studies have not been reported for this variant. This variant has not been reported in individuals affected with DSP-related disorders in the literature. This variant has not been identified in the general population by the Genome Aggregation Database (gnomAD). The available evidence is insufficient to determine the role of this variant in disease conclusively. Therefore, this variant is classified as a Variant of Uncertain Significance.

This study involves interpretation of variants in research participants for the purpose of population health screening. Participant phenotype was not available at the time of variant classification. Additional details can be found in publication PMID: 35346344, PMCID: PMC8962531

NM_004415.4(DSP):c.6554A>C (p.Gln2185Pro)

Gene: DSP (desmoplakin; plus strand). Cytogenetic location: 6p24.3.
Variant type: single nucleotide variant.
Coding change: c.6554A>C on transcript NM_004415.4 (MANE Select); coding-DNA position 6554, A replaced by C.
Protein change: p.Gln2185Pro; replaces glutamine 2185 with proline.
Molecular consequence: missense variant.
Genome position (GRCh38, 1-based): chr6:7,583,816, A>C. VCF-style: chr6-7583816-A-C. GRCh37 (hg19) VCF-style: chr6-7584049-A-C.
Other names: c.4757A>C, p.Gln1586Pro (NM_001008844.3); c.5225A>C, p.Gln1742Pro (NM_001319034.2); short protein forms Q1586P, Q1742P, Q2185P.
Identifiers: ClinVar variation 3069761 (VCV003069761.1), dbSNP rs1310583657, ClinGen allele CA362691046.
Genomic context (GRCh38, chr6:7,583,816, plus strand): 5'-CCCGAGATAGTCAGAAAAACTTTGTGGATCCAGTCACCAAAAAGAAGGTCAGTTACGTGC[A>C]GCTGAAGGAACGGTGCAGAATCGAACCACATACTGGTCTGCTCTTGCTTTCAGTACAGAA-3'
Protein context (NP_004406.2, residues 2175-2195): PVTKKKVSYV[Gln2185Pro]LKERCRIEPH